The following is an entry in ClinVar:

NM_001244926.2(PRPF4):c.809-7C>T

Gene: PRPF4 (pre-mRNA splicing tri-snRNP complex factor PRPF4; plus strand). Cytogenetic location: 9q32.
Variant type: single nucleotide variant.
Coding change: c.809-7C>T on transcript NM_001244926.2 (MANE Select); 7 bases into the intron before coding-DNA position 809, C replaced by T.
Molecular consequence: intron variant.
Genome position (GRCh38, 1-based): chr9:113,286,698, C>T. VCF-style: chr9-113286698-C-T. GRCh37 (hg19) VCF-style: chr9-116048978-C-T.
Other names: c.83-7C>T (NM_001322267.2, NM_001322266.2); c.812-7C>T (NM_004697.5).
Identifiers: ClinVar variation 728472 (VCV000728472.14), dbSNP rs186281327, ClinGen allele CA5195017.
Genomic context (GRCh38, chr9:113,286,698, plus strand): 5'-CCTAGTATATAACATGGGTTATAAAGAGGCAGGAACCTTTTAACTTGCATCTCTTACACT[C>T]CTTTAGGGCATAACACAAATGTAGGAGCAATTGTATTCCATCCCAAATCCACTGTCTCCT-3'

ClinVar aggregate classification (germline): Benign/Likely benign. Review status: criteria provided, multiple submitters, no conflicts (2 of 4 stars). 3 submissions from 3 submitters: Benign (1); Likely benign (1). 1 of the submissions does not count toward it. Last evaluated 2025-11-15.

Conditions:
PRPF4-related disorder. Also called: PRPF4-related condition.

Allele frequency attached by ClinVar (database versions not stated): gnomAD exomes 0.00006 and 0.00021; ExAC 0.00024; gnomAD 0.00055 and 0.00057; TOPMed 0.00061; ESP Exome Variant Server 0.00108; 1000 Genomes Project 0.00140; 1000 Genomes Project 30x 0.00172.
gnomAD v4.1: 174 of 1,614,130 alleles (0.011%); highest among the groups gnomAD compares: African/African-American, 0.19%; no homozygotes.

Submissions (3):

Labcorp Genetics (formerly Invitae), Labcorp
Classification: Benign. Last evaluated: 2025-11-15. Review status: criteria provided, single submitter. Criteria: Invitae Variant Classification Sherloc (09022015). Collection method: clinical testing. Allele origin: germline.

Blueprint Genetics
Classification: Likely benign. Last evaluated: 2023-08-17. Review status: criteria provided, single submitter. Criteria: ACMG Guidelines, 2015. Collection method: clinical testing. Allele origin: germline.

PreventionGenetics, part of Exact Sciences
Classification: Likely benign for PRPF4-related condition. Last evaluated: 2019-07-31. Review status: no assertion criteria provided. Collection method: clinical testing. Allele origin: germline. Not counted in ClinVar's aggregate classification.
Comment: This variant is classified as likely benign based on ACMG/AMP sequence variant interpretation guidelines (Richards et al. 2015 PMID: 25741868, with internal and published modifications).